The following is an entry in ClinVar:

NM_001378454.1(ALMS1):c.1900C>T (p.Gln634Ter)

Gene: ALMS1 (ALMS1 centrosome and basal body associated protein; plus strand). Cytogenetic location: 2p13.1.
Variant type: single nucleotide variant.
Coding change: c.1900C>T on transcript NM_001378454.1 (MANE Select); coding-DNA position 1900, C replaced by T.
Protein change: p.Gln634Ter; replaces glutamine 634 with a stop codon.
Molecular consequence: nonsense.
Genome position (GRCh38, 1-based): chr2:73,448,427, C>T. VCF-style: chr2-73448427-C-T. GRCh37 (hg19) VCF-style: chr2-73675554-C-T.
Other names: c.1903C>T, p.Gln635Ter (NM_015120.4); short protein forms Q634*, Q635*.
Identifiers: ClinVar variation 1299316 (VCV001299316.10), dbSNP rs780843883, ClinGen allele CA1713241.

ClinVar aggregate classification (germline): Pathogenic/Likely pathogenic. Review status: criteria provided, multiple submitters, no conflicts (2 of 4 stars). 6 submissions from 6 submitters: Pathogenic (4); Likely pathogenic (2). Last evaluated 2026-01-22.

Conditions:
ALMS1-related disorder. Also called: ALMS1-related condition.
Retinal dystrophy. Also called: Inherited retinal dystrophy. Identifiers: Orphanet 71862, MedGen C0854723, MeSH D058499, MONDO:0019118, HP:0000556.
Alstrom syndrome (ALMS). Identifiers: Orphanet 64, MedGen C0268425, MONDO:0008763, OMIM 203800.

Allele frequency attached by ClinVar (database versions not stated): gnomAD exomes below 0.00001; ExAC 0.00001.
gnomAD v4.1: 5 of 1,613,980 alleles (0.00031%); highest among the groups gnomAD compares: Non-Finnish European, 0.00034%; no homozygotes.

Submissions (6):

Natera, Inc.
Classification: Pathogenic for Alstrom syndrome. Last evaluated: 2026-01-22. Review status: criteria provided, single submitter. Criteria: Natera Variant Classification Schema (03/2026). Collection method: clinical testing. Allele origin: germline.
Comment: The c.1903C>T variant in ALMS1 is a nonsense variant predicted to introduce a stop codon at amino acid 635. This variant is expected to result in nonsense mediated decay, truncation, or a dysfunctional protein product. This variant is rare in the general population with a frequency below the threshold expected for the associated phenotype(s). This variant has been observed in one or more individuals affected with the associated recessive disease, as either homozygous or compound heterozygous with a second variant (PMID: 30064963, 26283575). Additionally, this variant has been observed to segregate in affected family members (PMID: 26283575). Given the available evidence, this variant is classified as Pathogenic.

Labcorp Genetics (formerly Invitae), Labcorp
Classification: Pathogenic for Alstrom syndrome. Last evaluated: 2023-09-30. Review status: criteria provided, single submitter. Criteria: Invitae Variant Classification Sherloc (09022015). Collection method: clinical testing. Allele origin: germline.
Comment: This sequence change creates a premature translational stop signal (p.Gln635*) in the ALMS1 gene. It is expected to result in an absent or disrupted protein product. Loss-of-function variants in ALMS1 are known to be pathogenic (PMID: 17594715). This variant is present in population databases (rs780843883, gnomAD 0.0009%). This premature translational stop signal has been observed in individual(s) with Alström syndrome (PMID: 25846608). ClinVar contains an entry for this variant (Variation ID: 1299316). For these reasons, this variant has been classified as Pathogenic.

Blueprint Genetics
Classification: Likely pathogenic for ALMS1-related disorders. Last evaluated: 2022-10-26. Review status: criteria provided, single submitter. Criteria: ACMG Guidelines, 2015. Collection method: clinical testing. Allele origin: germline. Affected: yes. Observed: 3 variant alleles.

Fulgent Genetics
Classification: Likely pathogenic for Alstrom syndrome. Last evaluated: 2021-11-15. Review status: criteria provided, single submitter. Criteria: ACMG Guidelines, 2015. Collection method: clinical testing. Allele origin: unknown.

Institute of Human Genetics, University of Leipzig Medical Center
Classification: Pathogenic for Alstrom syndrome. Last evaluated: 2021-09-02. Review status: criteria provided, single submitter. Criteria: ACMG Guidelines, 2015. Collection method: clinical testing. Allele origin: unknown. Affected: yes.
Comment: This variant was identified as compound heterozygous with NM_015120.4:c.5283del.

Institute of Human Genetics, Univ. Regensburg, Univ. Regensburg
Classification: Pathogenic for Retinal dystrophy. Last evaluated: 2019-01-01. Review status: criteria provided, single submitter. Criteria: ACMG Guidelines, 2015. Collection method: clinical testing. Allele origin: germline. Affected: yes.

Literature cited by the submitters: PubMed 30064963 (cited by Natera, Inc.); PubMed 26283575 (cited by Natera, Inc.); PubMed 17594715 (cited by Labcorp Genetics (formerly Invitae), Labcorp); PubMed 25846608 (cited by Labcorp Genetics (formerly Invitae), Labcorp and Institute of Human Genetics, Univ. Regensburg, Univ. Regensburg).